The following is an entry in ClinVar:

ClinVar aggregate classification (germline): Uncertain significance (1 of 4 stars; one submission).

Conditions:
Cardiovascular phenotype. Identifiers: MedGen CN230736.

Allele frequency attached by ClinVar (database versions not stated): gnomAD exomes below 0.00001.
gnomAD v4.1: 1 of 1,614,178 alleles (0.000062%); highest among the groups gnomAD compares: Non-Finnish European, 0.000085%; no homozygotes.

Submission:

Ambry Genetics
Classification: Uncertain significance for Cardiovascular phenotype. Last evaluated: 2021-06-15. Review status: criteria provided, single submitter. Criteria: Ambry Variant Classification Scheme 2023. Collection method: clinical testing. Allele origin: germline.
Comment: The p.F842L variant (also known as c.2524T>C), located in coding exon 40 of the COL1A2 gene, results from a T to C substitution at nucleotide position 2524. The phenylalanine at codon 842 is replaced by leucine, an amino acid with highly similar properties. This amino acid position is not well conserved in available vertebrate species, and leucine is the reference amino acid in other vertebrate species. In addition, the in silico prediction for this alteration is inconclusive. Since supporting evidence is limited at this time, the clinical significance of this alteration remains unclear.

NM_000089.4(COL1A2):c.2524T>C (p.Phe842Leu)

Gene: COL1A2 (collagen type I alpha 2 chain; plus strand). Cytogenetic location: 7q21.3.
Variant type: single nucleotide variant.
Coding change: c.2524T>C on transcript NM_000089.4 (MANE Select); coding-DNA position 2524, T replaced by C.
Protein change: p.Phe842Leu; replaces phenylalanine 842 with leucine.
Molecular consequence: missense variant.
Genome position (GRCh38, 1-based): chr7:94,423,077, T>C. VCF-style: chr7-94423077-T-C. GRCh37 (hg19) VCF-style: chr7-94052389-T-C.
Other names: short protein forms F842L.
Identifiers: ClinVar variation 1792583 (VCV001792583.2), dbSNP rs2484729601, ClinGen allele CA368224089.